The following is an entry in ClinVar:

NM_000264.5(PTCH1):c.3395C>T (p.Ser1132Phe)

Gene: PTCH1 (patched 1; minus strand). Cytogenetic location: 9q22.32.
Variant type: single nucleotide variant.
Coding change: c.3395C>T on transcript NM_000264.5 (MANE Select); coding-DNA position 3395, C replaced by T.
Protein change: p.Ser1132Phe; replaces serine 1132 with phenylalanine.
Molecular consequence: missense variant. On other transcripts: non-coding transcript variant (1).
Genome position (GRCh38, 1-based): chr9:95,453,532, G>A on the plus strand (C>T on the coding strand, the complement: PTCH1 is on the minus strand). VCF-style: chr9-95453532-G-A. GRCh37 (hg19) VCF-style: chr9-98215814-G-A.
Other names: c.3395C>T (NM_000264.3); c.3197C>T, p.Ser1066Phe (NM_001083602.3); c.3392C>T, p.Ser1131Phe (NM_001083603.3); c.2942C>T, p.Ser981Phe (NM_001083604.3, NM_001083605.3, NM_001083606.3 and 1 more transcripts); c.3239C>T, p.Ser1080Phe (NM_001354918.2); short protein forms S1132F, S1131F, S981F, S1066F, S1080F.
Identifiers: ClinVar variation 646094 (VCV000646094.45), dbSNP rs1588528503, ClinGen allele CA374111756.

ClinVar aggregate classification (germline): Pathogenic/Likely pathogenic. Review status: criteria provided, multiple submitters, no conflicts (2 of 4 stars). 4 submissions from 4 submitters: Pathogenic (1); Likely pathogenic (3). Last evaluated 2026-05-01.

Conditions:
Hereditary cancer-predisposing syndrome. Also called: Neoplastic Syndromes, Hereditary; Hereditary Cancer Syndrome; Tumor predisposition; Hereditary neoplastic syndrome. Identifiers: Orphanet 140162, MedGen C0027672, MeSH D009386, MONDO:0015356.
Gorlin syndrome. Also called: Nevoid Basal Cell Carcinoma Syndrome; Basal cell nevus syndrome. Identifiers: Orphanet 377, MedGen C0004779, MONDO:0007187.

gnomAD v4.1: 1 of 1,614,142 alleles (0.000062%); highest among the groups gnomAD compares: Non-Finnish European, 0.000085%; no homozygotes.

Submissions (4):

CeGaT Center for Human Genetics Tuebingen
Classification: Likely pathogenic. Last evaluated: 2026-05-01. Review status: criteria provided, single submitter. Criteria: CeGaT Center For Human Genetics Tuebingen Variant Classification Criteria Version 2. Collection method: clinical testing. Allele origin: germline. Affected: yes. Observed: 2 variant alleles.
Comment: PTCH1: PM2, PM5, PP3, PP4

Ambry Genetics
Classification: Likely pathogenic for Hereditary cancer-predisposing syndrome. Last evaluated: 2026-03-02. Review status: criteria provided, single submitter. Criteria: Ambry Variant Classification Scheme 2023. Collection method: clinical testing. Allele origin: germline.
Comment: The p.S1132F variant (also known as c.3395C>T), located in coding exon 20 of the PTCH1 gene, results from a C to T substitution at nucleotide position 3395. The serine at codon 1132 is replaced by phenylalanine, an amino acid with highly dissimilar properties. This amino acid position is highly conserved in available vertebrate species. This variant was reported in individual(s) with features consistent with PTCH1-related nevoid basal cell carcinoma syndrome (Ambry internal data). Another variant at the same codon, p.S1132P (c.3394T>C), has been identified in individual(s) with features consistent with PTCH1-related nevoid basal cell carcinoma syndrome (Ambry internal data). In addition, this alteration is predicted to be deleterious by in silico analysis. This variant is considered to be rare based on population cohorts in the Genome Aggregation Database (gnomAD). Based on the majority of available evidence to date, this variant is likely to be pathogenic.

Institute of Human Genetics, University of Leipzig Medical Center
Classification: Likely pathogenic for Basal cell nevus syndrome 1. Last evaluated: 2022-12-20. Review status: criteria provided, single submitter. Criteria: ACMG Guidelines, 2015. Collection method: clinical testing. Allele origin: unknown. Affected: yes.
Comment: _x000D_ Criteria applied: PM5_STR, PS4_MOD, PM2_SUP, PP3

Labcorp Genetics (formerly Invitae), Labcorp
Classification: Pathogenic for Gorlin syndrome. Last evaluated: 2022-09-01. Review status: criteria provided, single submitter. Criteria: Invitae Variant Classification Sherloc (09022015). Collection method: clinical testing. Allele origin: germline.
Comment: This variant disrupts the p.Ser1132 amino acid residue in PTCH1. Other variant(s) that disrupt this residue have been determined to be pathogenic (PMID: 8840969, 11231326, 23951062, 26544948). This suggests that this residue is clinically significant, and that variants that disrupt this residue are likely to be disease-causing. For these reasons, this variant has been classified as Pathogenic. Advanced modeling of protein sequence and biophysical properties (such as structural, functional, and spatial information, amino acid conservation, physicochemical variation, residue mobility, and thermodynamic stability) performed at Invitae indicates that this missense variant is expected to disrupt PTCH1 protein function. ClinVar contains an entry for this variant (Variation ID: 646094). This missense change has been observed in individuals with clinical features of basal cell nevus syndrome (Invitae). This variant is not present in population databases (gnomAD no frequency). This sequence change replaces serine, which is neutral and polar, with phenylalanine, which is neutral and non-polar, at codon 1132 of the PTCH1 protein (p.Ser1132Phe).

Literature cited by the submitters: PubMed 8840969 (cited by Labcorp Genetics (formerly Invitae), Labcorp); PubMed 11231326 (cited by Labcorp Genetics (formerly Invitae), Labcorp); PubMed 23951062 (cited by Labcorp Genetics (formerly Invitae), Labcorp); PubMed 26544948 (cited by Labcorp Genetics (formerly Invitae), Labcorp).